The following is an entry in ClinVar:

NM_000291.4(PGK1):c.593C>T (p.Ala198Val)

Gene: PGK1 (phosphoglycerate kinase 1; plus strand). Cytogenetic location: Xq21.1.
Variant type: single nucleotide variant.
Coding change: c.593C>T on transcript NM_000291.4 (MANE Select); coding-DNA position 593, C replaced by T.
Protein change: p.Ala198Val; replaces alanine 198 with valine.
Molecular consequence: missense variant.
Genome position (GRCh38, 1-based): chrX:78,118,122, C>T. VCF-style: chrX-78118122-C-T. GRCh37 (hg19) VCF-style: chrX-77373619-C-T.
Other names: short protein forms A198V.
Identifiers: ClinVar variation 3305981 (VCV003305981.2).

ClinVar aggregate classification (germline): Uncertain significance (1 of 4 stars; one submission).

Conditions:
Inborn genetic diseases. Identifiers: MedGen C0950123, MeSH D030342.

Submission:

Ambry Genetics
Classification: Uncertain significance for Inborn genetic diseases. Last evaluated: 2024-07-24. Review status: criteria provided, single submitter. Criteria: Ambry Variant Classification Scheme 2023. Collection method: clinical testing. Allele origin: germline.
Comment: The c.593C>T (p.A198V) alteration is located in exon 6 (coding exon 6) of the PGK1 gene. This alteration results from a C to T substitution at nucleotide position 593, causing the alanine (A) at amino acid position 198 to be replaced by a valine (V). This variant was not reported in population-based cohorts in the Genome Aggregation Database (gnomAD). This amino acid position is highly conserved in available vertebrate species. The in silico prediction for this alteration is inconclusive. Based on insufficient or conflicting evidence, the clinical significance of this alteration remains unclear.